The following is an entry in ClinVar:

NM_012330.4(KAT6B):c.5599T>C (p.Ser1867Pro)

Gene: KAT6B (lysine acetyltransferase 6B; plus strand). Cytogenetic location: 10q22.2.
Variant type: single nucleotide variant.
Coding change: c.5599T>C on transcript NM_012330.4 (MANE Select); coding-DNA position 5599, T replaced by C.
Protein change: p.Ser1867Pro; replaces serine 1867 with proline.
Molecular consequence: missense variant.
Genome position (GRCh38, 1-based): chr10:75,030,423, T>C. VCF-style: chr10-75030423-T-C. GRCh37 (hg19) VCF-style: chr10-76790181-T-C.
Other names: c.5050T>C, p.Ser1684Pro (NM_001256468.2, NM_001370138.1); c.4723T>C, p.Ser1575Pro (NM_001256469.2, NM_001370139.1, NM_001370140.1 and 2 more transcripts); c.4561T>C, p.Ser1521Pro (NM_001370132.1); c.3910T>C, p.Ser1304Pro (NM_001370133.1); c.3514T>C, p.Ser1172Pro (NM_001370134.1); c.3256T>C, p.Ser1086Pro (NM_001370135.1); c.5599T>C, p.Ser1867Pro (NM_001370136.1, NM_001370137.1); c.4534T>C, p.Ser1512Pro (NM_001370143.1, NM_001370144.1); short protein forms S1684P, S1867P, S1086P, S1172P, S1304P, S1512P, S1521P, S1575P.
Identifiers: ClinVar variation 4535494 (VCV004535494.1).

ClinVar aggregate classification (germline): Uncertain significance (1 of 4 stars; one submission).

Submission:

Women's Health and Genetics/Laboratory Corporation of America, LabCorp
Classification: Uncertain significance. Last evaluated: 2025-09-16. Review status: criteria provided, single submitter. Criteria: LabCorp Variant Classification Summary - May 2015. Collection method: clinical testing. Allele origin: germline.
Comment: Variant summary: KAT6B c.5599T>C (p.Ser1867Pro) results in a non-conservative amino acid change in the encoded protein sequence. Algorithms developed to predict the effect of missense changes on protein structure and function are either unavailable or do not agree on the potential impact of this missense change. The variant was absent in 251354 control chromosomes. The available data on variant occurrences in the general population are insufficient to allow any conclusion about variant significance. To our knowledge, no occurrence of c.5599T>C in individuals affected with KAT6B-related conditions and no experimental evidence demonstrating its impact on protein function have been reported. No submitters have cited clinical-significance assessments for this variant to ClinVar. Based on the evidence outlined above, the variant was classified as uncertain significance.